The following is an entry in ClinVar:

ClinVar aggregate classification (germline): Conflicting classifications of pathogenicity. Review status: criteria provided, conflicting classifications (1 of 4 stars). 9 submissions from 9 submitters: Uncertain significance (6); Likely benign (1). 2 of the submissions do not count toward it. Last evaluated 2025-12-09.

Conditions:
Generalized epilepsy with febrile seizures plus, type 1 (GEFSP1). Also called: GEFS+, TYPE 1. Identifiers: Orphanet 36387, MedGen C1858672, MONDO:0011416, OMIM 604233.
Developmental and epileptic encephalopathy, 52 (DEE52). Also called: Epileptic encephalopathy, early infantile, 52. Identifiers: MedGen C4479236, MONDO:0033361, OMIM 617350.
Brugada syndrome 5 (BRGDA5). Identifiers: Orphanet 130, Orphanet 871, MedGen C2748541, MONDO:0013015, OMIM 612838.
Atrial fibrillation, familial, 13 (ATFB13). Identifiers: MedGen C3809311, MONDO:0014155, OMIM 615377.
Cardiovascular phenotype. Identifiers: MedGen CN230736.

Allele frequency attached by ClinVar (database versions not stated): gnomAD 0.00001; gnomAD exomes 0.00002 and 0.00004; ExAC 0.00003; TOPMed 0.00003; ESP Exome Variant Server 0.00008.

Submissions (9):

Labcorp Genetics (formerly Invitae), Labcorp
Classification: Uncertain significance for Brugada syndrome 5. Last evaluated: 2025-12-09. Review status: criteria provided, single submitter. Criteria: Invitae Variant Classification Sherloc (09022015). Collection method: clinical testing. Allele origin: germline.
Comment: This sequence change replaces arginine, which is basic and polar, with histidine, which is basic and polar, at codon 89 of the SCN1B protein (p.Arg89His). This variant is present in population databases (rs138381632, gnomAD 0.01%). This missense change has been observed in individual(s) with clinical features of autosomal dominant SCN1B-related conditions (PMID: 28341588; internal data). ClinVar contains an entry for this variant (Variation ID: 190860). An algorithm developed to predict the effect of missense changes on protein structure and function (PolyPhen-2) suggests that this variant is likely to be disruptive. In summary, the available evidence is currently insufficient to determine the role of this variant in disease. Therefore, it has been classified as a Variant of Uncertain Significance.

GeneDx
Classification: Uncertain significance. Last evaluated: 2025-03-23. Review status: criteria provided, single submitter. Criteria: GeneDx Variant Classification Process June 2021. Collection method: clinical testing. Allele origin: germline. Affected: yes.
Comment: Observed in association with primary electrical disease, epilepsy, and fetal complete heart block (CHB) (PMID: 28341588, 32303391, 39800474); In silico analysis supports that this missense variant has a deleterious effect on protein structure/function; This variant is associated with the following publications: (PMID: 36291443, 32303391, 39582593, 28341588, 39800474)

Blueprint Genetics
Classification: Uncertain significance. Last evaluated: 2024-10-09. Review status: criteria provided, single submitter. Criteria: ACMG Guidelines, 2015. Collection method: clinical testing. Allele origin: germline.

Revvity Omics, Revvity
Classification: Uncertain significance. Last evaluated: 2023-02-07. Review status: criteria provided, single submitter. Criteria: ACMG Guidelines, 2015. Collection method: clinical testing. Allele origin: germline.

Fulgent Genetics
Classification: Uncertain significance for Generalized epilepsy with febrile seizures plus, type 1; Brugada syndrome 5; Atrial fibrillation, familial, 13; Developmental and epileptic encephalopathy, 52. Last evaluated: 2021-11-08. Review status: criteria provided, single submitter. Criteria: ACMG Guidelines, 2015. Collection method: clinical testing. Allele origin: unknown.

AiLife Diagnostics
Classification: Uncertain significance. Last evaluated: 2021-05-21. Review status: criteria provided, single submitter. Criteria: ACMG Guidelines, 2015. Collection method: clinical testing. Allele origin: germline. Affected: yes. Observed: 1 variant allele.

Ambry Genetics
Classification: Likely benign for Cardiovascular phenotype. Last evaluated: 2020-06-30. Review status: criteria provided, single submitter. Criteria: Ambry Variant Classification Scheme 2023. Collection method: clinical testing. Allele origin: germline.

Clinical Genetics, Academic Medical Center
Classification: Uncertain significance. Review status: no assertion criteria provided. Collection method: clinical testing. Allele origin: germline. Affected: yes. Study: VKGL Data-share Consensus. Not counted in ClinVar's aggregate classification.

Joint Genome Diagnostic Labs from Nijmegen and Maastricht, Radboudumc and MUMC+
Classification: Uncertain significance. Review status: no assertion criteria provided. Collection method: clinical testing. Allele origin: germline. Affected: yes. Study: VKGL Data-share Consensus. Not counted in ClinVar's aggregate classification.

Literature cited by the submitters: PubMed 28341588 (cited by Labcorp Genetics (formerly Invitae), Labcorp).

NM_001037.5(SCN1B):c.266G>A (p.Arg89His)

Gene: SCN1B (sodium voltage-gated channel beta subunit 1; plus strand). Cytogenetic location: 19q13.11.
Variant type: single nucleotide variant.
Coding change: c.266G>A on transcript NM_001037.5 (MANE Select); coding-DNA position 266, G replaced by A.
Protein change: p.Arg89His; replaces arginine 89 with histidine.
Molecular consequence: missense variant.
Genome position (GRCh38, 1-based): chr19:35,033,557, G>A. VCF-style: chr19-35033557-G-A. GRCh37 (hg19) VCF-style: chr19-35524461-G-A.
Other names: p.R89H:CGC>CAC; c.266G>A, p.Arg89His (NM_199037.5); c.167G>A, p.Arg56His (NM_001321605.2); short protein forms R89H, R56H.
Identifiers: ClinVar variation 190860 (VCV000190860.26), dbSNP rs138381632, ClinGen allele CA302155.